The following is an entry in ClinVar:

NM_022051.2(EGLN1):c.-698G>A

Gene: EGLN1 (egl-9 family hypoxia inducible factor 1; minus strand). Cytogenetic location: 1q42.2.
Variant type: single nucleotide variant.
Coding change: c.-698G>A on transcript NM_022051.2; 698 bases upstream of the start codon, G replaced by A.
Genome position (GRCh38, 1-based): chr1:231,422,586, C>T on the plus strand (G>A on the coding strand, the complement: EGLN1 is on the minus strand). VCF-style: chr1-231422586-C-T. GRCh37 (hg19) VCF-style: chr1-231558332-C-T.
Identifiers: ClinVar variation 296214 (VCV000296214.8), dbSNP rs80010432, ClinGen allele CA10610339.

ClinVar aggregate classification (germline): Benign. Review status: criteria provided, multiple submitters, no conflicts (2 of 4 stars). 2 submissions from 2 submitters: Benign (2). Last evaluated 2018-01-12.

Conditions:
Erythrocytosis, familial, 3 (ECYT3). Identifiers: Orphanet 247511, MedGen C1853286, MONDO:0012353, OMIM 609820.

Allele frequency attached by ClinVar (database versions not stated): 1000 Genomes Project 0.02975; gnomAD 0.01338 and 0.01508; 1000 Genomes Project 30x 0.02842; TOPMed 0.01388.

Submissions (2):

Illumina Laboratory Services, Illumina
Classification: Benign for Erythrocytosis, familial, 3. Last evaluated: 2018-01-12. Review status: criteria provided, single submitter. Criteria: ICSL Variant Classification Criteria 13 December 2019. Collection method: clinical testing. Allele origin: germline.
Comment: This variant was observed in the ICSL laboratory as part of a predisposition screen in an ostensibly healthy population. It had not been previously curated by ICSL or reported in the Human Gene Mutation Database (HGMD: prior to June 1st, 2018), and was therefore a candidate for classification through an automated scoring system. Utilizing variant allele frequency, disease prevalence and penetrance estimates, and inheritance mode, an automated score was calculated to assess if this variant is too frequent to cause the disease. Based on the score and internal cut-off values, a variant classified as benign is not then subjected to further curation. The score for this variant resulted in a classification of benign for this disease.

Breakthrough Genomics
Classification: Benign. Review status: criteria provided, single submitter. Criteria: ACMG Guidelines, 2015. Collection method: not provided. Allele origin: germline. Inheritance: Autosomal dominant inheritance. Affected: yes.